The following is an entry in ClinVar:

NM_013275.6(ANKRD11):c.7606C>T (p.Arg2536Trp)

Gene: ANKRD11 (ankyrin repeat domain 11; minus strand). Cytogenetic location: 16q24.3.
Variant type: single nucleotide variant.
Coding change: c.7606C>T on transcript NM_013275.6 (MANE Select); coding-DNA position 7606, C replaced by T.
Protein change: p.Arg2536Trp; replaces arginine 2536 with tryptophan.
Molecular consequence: missense variant.
Genome position (GRCh38, 1-based): chr16:89,274,921, G>A on the plus strand (C>T on the coding strand, the complement: ANKRD11 is on the minus strand). VCF-style: chr16-89274921-G-A. GRCh37 (hg19) VCF-style: chr16-89341329-G-A.
Other names: c.7606C>T (NM_013275.4, NM_001256182.1, NM_013275.5); c.7606C>T, p.Arg2536Trp (NM_001256182.2, NM_001256183.2); short protein forms R2536W.
Identifiers: ClinVar variation 1341546 (VCV001341546.13), dbSNP rs2151701893, ClinGen allele CA397147681.

ClinVar aggregate classification (germline): Pathogenic/Likely pathogenic. Review status: criteria provided, multiple submitters, no conflicts (2 of 4 stars). 7 submissions from 7 submitters: Pathogenic (4); Likely pathogenic (2). 1 of the submissions does not count toward it. Last evaluated 2025-05-06.

Conditions:
Inborn genetic diseases. Identifiers: MedGen C0950123, MeSH D030342.
KBG syndrome (KBGS). Also called: ANKRD11-Related KBG Syndrome. Identifiers: Orphanet 2332, MedGen C0220687, MONDO:0007846, OMIM 148050.

Submissions (7):

GeneDx
Classification: Pathogenic. Last evaluated: 2025-05-06. Review status: criteria provided, single submitter. Criteria: GeneDx Variant Classification Process June 2021. Collection method: clinical testing. Allele origin: germline. Affected: yes.
Comment: Not observed at significant frequency in large population cohorts (gnomAD); In silico analysis supports that this missense variant has a deleterious effect on protein structure/function; This variant is associated with the following publications: (PMID: 35833929, 33057194, 35682590, 35710456, 35982159, 37586838)

Clinical Genomics Laboratory, Washington University in St. Louis
Classification: Pathogenic for KBG syndrome. Last evaluated: 2024-06-05. Review status: criteria provided, single submitter. Criteria: ACMG Guidelines, 2015. Collection method: clinical testing. Allele origin: germline. Affected: yes.
Comment: The ANKRD11 c.7606C>T (p.Arg2536Trp) variant has been reported occurring de novo in at least two unrelated individuals affected with KBG syndrome (Bestetti I et al., PMID: 35682590; de Boer E et al., PMID: 35833929). This variant is absent from the general population (gnomAD v.2.1.1), indicating it is not a common variant. Functional studies show reduced protein stability, indicating that this variant impacts protein function (de Boer E et al., PMID: 35833929). This variant also resides within a region, amino acids 2369-2663, of ANKRD11 that is defined as a critical functional domain (de Boer E et al., PMID: 35833929). Two additional variants in the same codon, c.7607G>C (p.Arg2536Pro) and c.7607G>A (p.Arg2536Gln), have been reported and are considered pathogenic (Kutkowska-Kazmierczak A et al., PMID: 34440431; van Dongen LCM et al., PMID: 30786142; ClinVar Variation ID: 1012410). This variant has been reported in the ClinVar database as a germline pathogenic variant by four submitters and likely pathogenic by two submitters. Based on available information and the ACMG/AMP guidelines for variant interpretation (Richards S et al., PMID: 25741868), this variant is classified as pathogenic.

Labcorp Genetics (formerly Invitae), Labcorp
Classification: Pathogenic for KBG syndrome. Last evaluated: 2023-07-10. Review status: criteria provided, single submitter. Criteria: Invitae Variant Classification Sherloc (09022015). Collection method: clinical testing. Allele origin: germline.
Comment: ClinVar contains an entry for this variant (Variation ID: 1341546). This missense change has been observed in individual(s) with KBG syndrome (PMID: 35682590, 35833929). In at least one individual the variant was observed to be de novo. This variant is not present in population databases (gnomAD no frequency). This sequence change replaces arginine, which is basic and polar, with tryptophan, which is neutral and slightly polar, at codon 2536 of the ANKRD11 protein (p.Arg2536Trp). Advanced modeling of protein sequence and biophysical properties (such as structural, functional, and spatial information, amino acid conservation, physicochemical variation, residue mobility, and thermodynamic stability) has been performed at Invitae for this missense variant, however the output from this modeling did not meet the statistical confidence thresholds required to predict the impact of this variant on ANKRD11 protein function. For these reasons, this variant has been classified as Pathogenic. Experimental studies have shown that this missense change affects ANKRD11 function (PMID: 35833929).

3billion
Classification: Likely pathogenic for KBG syndrome. Last evaluated: 2023-02-23. Review status: criteria provided, single submitter. Criteria: ACMG Guidelines, 2015. Collection method: clinical testing. Allele origin: unknown. Affected: yes.
Comment: The variant is not observed in the gnomAD v2.1.1 dataset. Protein truncation variants are a common disease-causing mechanism. In silico tool predictions suggest damaging effect of the variant on gene or gene product (REVEL: 0.42; 3Cnet: 0.73). Same nucleotide change resulting in same amino acid change has been previously reported as pathogenic/likely pathogenic with strong evidence (ClinVar ID: VCV001341546). A different missense change at the same codon (p.Arg2536Gln) has been reported to be associated with ANKRD11-related disorder (ClinVar ID: VCV001012410). Therefore, this variant is classified as Likely pathogenic according to the recommendation of ACMG/AMP guideline.

Ambry Genetics
Classification: Pathogenic for Inborn genetic diseases. Last evaluated: 2023-02-07. Review status: criteria provided, single submitter. Criteria: Ambry Variant Classification Scheme 2023. Collection method: clinical testing. Allele origin: germline.
Comment: The c.7606C>T (p.R2536W) alteration is located in exon 11 (coding exon 9) of the ANKRD11 gene. This alteration results from a C to T substitution at nucleotide position 7606, causing the arginine (R) at amino acid position 2536 to be replaced by a tryptophan (W). This variant was not reported in population-based cohorts in the Genome Aggregation Database (gnomAD). This variant has been reported in multiple individuals with features of KBG syndrome (DECIPHER v.9.32; Bestetti, 2022; de Boer, 2022), and has been determined to be the result of a de novo mutation in two individuals (DECIPHER v.9.32; de Boer, 2022). This amino acid position is highly conserved in available vertebrate species. This missense alteration is located in a region that has a low rate of benign missense variation (Lek, 2016; Firth, 2009). Functional studies suggest this alteration impacts protein stability; however, the physiological relevance of this finding is unclear (de Boer, 2022). This alteration is predicted to be tolerated by in silico analysis. Based on the available evidence, this alteration is classified as pathogenic.

Medical Cytogenetics and Molecular Genetics Laboratory, IRCCS Istituto Auxologico Italiano
Classification: Likely pathogenic for KBG syndrome. Last evaluated: 2021-11-01. Review status: criteria provided, single submitter. Criteria: ACMG Guidelines, 2015. Collection method: research. Allele origin: de novo. Affected: yes. Observed: 1 variant allele.

Joint Genome Diagnostic Labs from Nijmegen and Maastricht, Radboudumc and MUMC+
Classification: Pathogenic. Review status: no assertion criteria provided. Collection method: clinical testing. Allele origin: germline. Affected: yes. Not counted in ClinVar's aggregate classification.

Literature cited by the submitters: PubMed 35682590 (cited by Labcorp Genetics (formerly Invitae), Labcorp and Ambry Genetics); PubMed 35833929 (cited by Labcorp Genetics (formerly Invitae), Labcorp and Ambry Genetics); PubMed 19344873 (cited by Ambry Genetics); PubMed 35710456 (cited by Ambry Genetics).